The following is an entry in ClinVar:

ClinVar aggregate classification (germline): Benign/Likely benign. Review status: criteria provided, multiple submitters, no conflicts (2 of 4 stars). 5 submissions from 5 submitters: Benign (2); Likely benign (2). 1 of the submissions does not count toward it. Last evaluated 2026-01-07.

Conditions:
Kabuki syndrome. Also called: NIIKAWA-KUROKI SYNDROME; Kabuki make-up syndrome. Identifiers: Orphanet 2322, MedGen C0796004, MONDO:0016512.
KMT2D-related disorder. Also called: KMT2D-Related Disorders.

Allele frequency attached by ClinVar (database versions not stated): gnomAD exomes 0.00008; ESP Exome Variant Server 0.00025; ExAC 0.00030; TOPMed 0.00039; gnomAD 0.00047 and 0.00051; 1000 Genomes Project 0.00060; 1000 Genomes Project 30x 0.00062.
gnomAD v4.1: 101 of 1,597,170 alleles (0.0063%); highest among the groups gnomAD compares: African/African-American, 0.13%; no homozygotes.

Submissions (5):

Labcorp Genetics (formerly Invitae), Labcorp
Classification: Likely benign for Kabuki syndrome. Last evaluated: 2026-01-07. Review status: criteria provided, single submitter. Criteria: Invitae Variant Classification Sherloc (09022015). Collection method: clinical testing. Allele origin: germline.

GeneDx
Classification: Benign. Last evaluated: 2021-10-26. Review status: criteria provided, single submitter. Criteria: GeneDx Variant Classification Process June 2021. Collection method: clinical testing. Allele origin: germline. Affected: yes.

Genetic Services Laboratory, University of Chicago
Classification: Likely benign. Last evaluated: 2021-02-19. Review status: criteria provided, single submitter. Criteria: ACMG Guidelines, 2015. Collection method: clinical testing. Allele origin: germline. Affected: no.

Blueprint Genetics
Classification: Benign. Last evaluated: 2020-11-06. Review status: criteria provided, single submitter. Criteria: ACMG Guidelines, 2015. Collection method: clinical testing. Allele origin: germline.

PreventionGenetics, part of Exact Sciences
Classification: Likely benign for KMT2D-related condition. Last evaluated: 2022-12-27. Review status: no assertion criteria provided. Collection method: clinical testing. Allele origin: germline. Not counted in ClinVar's aggregate classification.
Comment: This variant is classified as likely benign based on ACMG/AMP sequence variant interpretation guidelines (Richards et al. 2015 PMID: 25741868, with internal and published modifications).

NM_003482.4(KMT2D):c.9547G>C (p.Ala3183Pro)

Gene: KMT2D (lysine methyltransferase 2D; minus strand). Cytogenetic location: 12q13.12.
Variant type: single nucleotide variant.
Coding change: c.9547G>C on transcript NM_003482.4 (MANE Select); coding-DNA position 9547, G replaced by C.
Protein change: p.Ala3183Pro; replaces alanine 3183 with proline.
Molecular consequence: missense variant.
Genome position (GRCh38, 1-based): chr12:49,037,809, C>G on the plus strand (G>C on the coding strand, the complement: KMT2D is on the minus strand). VCF-style: chr12-49037809-C-G. GRCh37 (hg19) VCF-style: chr12-49431592-C-G.
Other names: short protein forms A3183P.
Identifiers: ClinVar variation 771954 (VCV000771954.16), dbSNP rs200429063, ClinGen allele CA6546679.